The following is an entry in ClinVar:

NM_000135.4(FANCA):c.2712G>C (p.Gln904His)

Gene: FANCA (FA complementation group A; minus strand). Cytogenetic location: 16q24.3.
Variant type: single nucleotide variant.
Coding change: c.2712G>C on transcript NM_000135.4 (MANE Select); coding-DNA position 2712, G replaced by C.
Protein change: p.Gln904His; replaces glutamine 904 with histidine.
Molecular consequence: missense variant.
Genome position (GRCh38, 1-based): chr16:89,764,956, C>G on the plus strand (G>C on the coding strand, the complement: FANCA is on the minus strand). VCF-style: chr16-89764956-C-G. GRCh37 (hg19) VCF-style: chr16-89831364-C-G.
Other names: c.2712G>C, p.Gln904His (NM_001286167.3); short protein forms Q904H.
Identifiers: ClinVar variation 2012276 (VCV002012276.4), dbSNP rs945821823, ClinGen allele CA286555405.

ClinVar aggregate classification (germline): Uncertain significance (1 of 4 stars; one submission).

Conditions:
Fanconi anemia (FA). Also called: Fanconi's anemia. Identifiers: Orphanet 84, MedGen C0015625, MeSH D005199, MONDO:0019391.

Submission:

Labcorp Genetics (formerly Invitae), Labcorp
Classification: Uncertain significance for Fanconi anemia. Last evaluated: 2022-06-29. Review status: criteria provided, single submitter. Criteria: Invitae Variant Classification Sherloc (09022015). Collection method: clinical testing. Allele origin: germline.
Comment: This sequence change replaces glutamine, which is neutral and polar, with histidine, which is basic and polar, at codon 904 of the FANCA protein (p.Gln904His). This variant is not present in population databases (gnomAD no frequency). In summary, the available evidence is currently insufficient to determine the role of this variant in disease. Therefore, it has been classified as a Variant of Uncertain Significance. Advanced modeling of protein sequence and biophysical properties (such as structural, functional, and spatial information, amino acid conservation, physicochemical variation, residue mobility, and thermodynamic stability) performed at Invitae indicates that this missense variant is not expected to disrupt FANCA protein function. This variant has not been reported in the literature in individuals affected with FANCA-related conditions.